The following is an entry in ClinVar:

NM_001710.6(CFB):c.1548G>A (p.Val516=)

Gene: CFB (complement factor B; plus strand). Cytogenetic location: 6p21.33.
Variant type: single nucleotide variant.
Coding change: c.1548G>A on transcript NM_001710.6 (MANE Select); coding-DNA position 1548, G replaced by A.
Protein change: p.Val516=; no amino-acid change (valine 516 retained).
Molecular consequence: synonymous variant.
Genome position (GRCh38, 1-based): chr6:31,950,327, G>A. VCF-style: chr6-31950327-G-A. GRCh37 (hg19) VCF-style: chr6-31918104-G-A.
Identifiers: ClinVar variation 905719 (VCV000905719.12), dbSNP rs553118090, ClinGen allele CA3728366.

ClinVar aggregate classification (germline): Benign/Likely benign. Review status: criteria provided, multiple submitters, no conflicts (2 of 4 stars). 4 submissions from 3 submitters: Benign (2); Likely benign (1). 1 of the submissions does not count toward it. Last evaluated 2025-10-18.

Conditions:
CFB-related disorder. Also called: CFB-related disorders; CFB-related condition.
Atypical hemolytic-uremic syndrome with B factor anomaly. Also called: HEMOLYTIC UREMIC SYNDROME, ATYPICAL, SUSCEPTIBILITY TO, 4; AHUS, SUSCEPTIBILITY TO, 4. Identifiers: Orphanet 2134, MedGen C2752038, MONDO:0013042, OMIM 612924.
Macular degeneration. Also called: Degenerative disorder of macula. Identifiers: MedGen C0024437, MONDO:0003004, HP:0000608.

Allele frequency attached by ClinVar (database versions not stated): TOPMed 0.00003; gnomAD 0.00005 and 0.00006; 1000 Genomes Project 30x 0.00016; gnomAD exomes 0.00017; 1000 Genomes Project 0.00020; ExAC 0.00022.
gnomAD v4.1: 186 of 1,613,110 alleles (0.012%); highest among the groups gnomAD compares: South Asian, 0.089%; 1 homozygote.

Submissions (4):

Labcorp Genetics (formerly Invitae), Labcorp
Classification: Benign. Last evaluated: 2025-10-18. Review status: criteria provided, single submitter. Criteria: Invitae Variant Classification Sherloc (09022015). Collection method: clinical testing. Allele origin: germline.

Illumina Laboratory Services, Illumina
Classification: Benign for Atypical hemolytic-uremic syndrome with B factor anomaly. Last evaluated: 2018-01-13. Review status: criteria provided, single submitter. Criteria: ICSL Variant Classification Criteria 13 December 2019. Collection method: clinical testing. Allele origin: germline.
Comment: This variant was observed in the ICSL laboratory as part of a predisposition screen in an ostensibly healthy population. It had not been previously curated by ICSL or reported in the Human Gene Mutation Database (HGMD: prior to June 1st, 2018), and was therefore a candidate for classification through an automated scoring system. Utilizing variant allele frequency, disease prevalence and penetrance estimates, and inheritance mode, an automated score was calculated to assess if this variant is too frequent to cause the disease. Based on the score and internal cut-off values, a variant classified as benign is not then subjected to further curation. The score for this variant resulted in a classification of benign for this disease.

Illumina Laboratory Services, Illumina
Classification: Likely benign for Macular degeneration. Last evaluated: 2018-01-13. Review status: criteria provided, single submitter. Criteria: ICSL Variant Classification Criteria 13 December 2019. Collection method: clinical testing. Allele origin: germline.
Comment: This variant was observed in the ICSL laboratory as part of a predisposition screen in an ostensibly healthy population. It had not been previously curated by ICSL or reported in the Human Gene Mutation Database (HGMD: prior to June 1st, 2018), and was therefore a candidate for classification through an automated scoring system. Utilizing variant allele frequency, disease prevalence and penetrance estimates, and inheritance mode, an automated score was calculated to assess if this variant is too frequent to cause the disease. Based on the score and internal cut-off values, a variant classified as likely benign is not then subjected to further curation. The score for this variant resulted in a classification of likely benign for this disease.

PreventionGenetics, part of Exact Sciences
Classification: Likely benign for CFB-related condition. Last evaluated: 2024-08-06. Review status: no assertion criteria provided. Collection method: clinical testing. Allele origin: germline. Not counted in ClinVar's aggregate classification.
Comment: This variant is classified as likely benign based on ACMG/AMP sequence variant interpretation guidelines (Richards et al. 2015 PMID: 25741868, with internal and published modifications).